The following is an entry in ClinVar:

ClinVar aggregate classification (germline): Pathogenic (1 of 4 stars; one submission).

Conditions:
Fanconi anemia (FA). Also called: Fanconi's anemia. Identifiers: Orphanet 84, MedGen C0015625, MeSH D005199, MONDO:0019391.

Submission:

Labcorp Genetics (formerly Invitae), Labcorp
Classification: Pathogenic for Fanconi anemia. Last evaluated: 2020-12-05. Review status: criteria provided, single submitter. Criteria: Invitae Variant Classification Sherloc (09022015). Collection method: clinical testing. Allele origin: germline.
Comment: This sequence change inserts a large fragment of DNA, likely a transposable element, in exon 31 of the FANCA gene (c.3019_3020ins?), causing a frameshift at codon 1007 (p.Val1007fs). The exact size and sequence of the insertion cannot be determined by the current assay. However, the insertion is expected to result in an absent or disrupted protein product. This variant is not present in population databases (ExAC no frequency). This variant has not been reported in the literature in individuals with FANCA-related conditions. Retrotransposon insertions including LINE1 (L1), Alu, and SVA (SINE-VNTR-Alu) have been reported to be disease-causing through disruption of either a coding region or splice site (PMID: 19763152, 20307669, 22406018) and loss-of-function variants in FANCA are known to be pathogenic (PMID: 19367192). For these reasons, this variant has been classified as Pathogenic.

Literature cited by the submitters: PubMed 19763152; PubMed 20307669; PubMed 22406018; PubMed 19367192.

NM_000135.4(FANCA):c.3019_3020insCTCCCTCTCCCTCTCCCTCTCCCCCTCCCCCTCCCCCTCCCTCTCCCCACGGTCTCCCTCTCATGTGGAGCCGAAGCTGGACTGTACTGCTGCCATCTCGNNNNNNNNNNAAAAAAAAAAAAAAAAAAAAGAAAATTCTGATTTGG (p.Val1007fs)

Gene: FANCA (FA complementation group A; minus strand). Cytogenetic location: 16q24.3.
Variant type: Insertion.
Coding change: c.3019_3020insCTCCCTCTCCCTCTCCCTCTCCCCCTCCCCCTCCCCCTCCCTCTCCCCACGGTCTCCCTCTCATGTGGAGCCGAAGCTGGACTGTACTGCTGCCATCTCGNNNNNNNNNNAAAAAAAAAAAAAAAAAAAAGAAAATTCTGATTTGG on transcript NM_000135.4 (MANE Select); coding-DNA positions 3019 to 3020, CTCCCTCTCCCTCTCCCTCTCCCCCTCCCCCTCCCCCTCCCTCTCCCCACGGTCTCCCTCTCATGTGGAGCCGAAGCTGGACTGTACTGCTGCCATCTCGNNNNNNNNNNAAAAAAAAAAAAAAAAAAAAGAAAATTCTGATTTGG inserted.
Protein change: p.Val1007fs; shifts the reading frame from valine 1007.
Molecular consequence: frameshift variant.
Genome position: GRCh38: chr16:89,752,201-89,752,202. GRCh37 (hg19): chr16:89,818,609-89,818,610.
Other names: c.3019_3020insCTCCCTCTCCCTCTCCCTCTCCCCCTCCCCCTCCCCCTCCCTCTCCCCACGGTCTCCCTCTCATGTGGAGCCGAAGCTGGACTGTACTGCTGCCATCTCGNNNNNNNNNNAAAAAAAAAAAAAAAAAAAAGAAAATTCTGATTTGG, p.Val1007fs (NM_001286167.3); short protein forms V1007fs.
Identifiers: ClinVar variation 1406158 (VCV001406158.6), dbSNP rs2143163813.